The following is an entry in ClinVar:

NM_002076.4(GNS):c.*380C>T

Gene: GNS (glucosamine (N-acetyl)-6-sulfatase; minus strand). Cytogenetic location: 12q14.3.
Variant type: single nucleotide variant.
Coding change: c.*380C>T on transcript NM_002076.4 (MANE Select); 380 bases downstream of the stop codon, C replaced by T.
Molecular consequence: 3 prime UTR variant.
Genome position (GRCh38, 1-based): chr12:64,716,361, G>A on the plus strand (C>T on the coding strand, the complement: GNS is on the minus strand). VCF-style: chr12-64716361-G-A. GRCh37 (hg19) VCF-style: chr12-65110141-G-A.
Identifiers: ClinVar variation 310198 (VCV000310198.6), dbSNP rs674, ClinGen allele CA10642308.

ClinVar aggregate classification (germline): Benign. Review status: criteria provided, multiple submitters, no conflicts (2 of 4 stars). 2 submissions from 2 submitters: Benign (2). Last evaluated 2018-01-13.

Conditions:
Mucopolysaccharidosis, MPS-III-D (MPS3D). Also called: MPS IIID (Sanfilippo Syndrome Type D); MPS III D; Mucopoly-saccharidosis type 3D; N-acetylglucosamine-6-sulfate sulfatase deficiency; MPS 3D; N-ACETYLGLUCOSAMINE-6-SULFATASE DEFICIENCY. Identifiers: Orphanet 581, Orphanet 79272, MedGen C0086650, MONDO:0009658, OMIM 252940.

Allele frequency attached by ClinVar (database versions not stated): gnomAD exomes 0.62188; TOPMed 0.63033; gnomAD 0.63058; 1000 Genomes Project 0.71565; 1000 Genomes Project 30x 0.71174.
gnomAD v4.1: 193,602 of 308,532 alleles (63%); highest among the groups gnomAD compares: East Asian, 88%; 61,965 homozygotes.

Submissions (2):

Illumina Laboratory Services, Illumina
Classification: Benign for Mucopolysaccharidosis, MPS-III-D. Last evaluated: 2018-01-13. Review status: criteria provided, single submitter. Criteria: ICSL Variant Classification Criteria 13 December 2019. Collection method: clinical testing. Allele origin: germline.
Comment: This variant was observed in the ICSL laboratory as part of a predisposition screen in an ostensibly healthy population. It had not been previously curated by ICSL or reported in the Human Gene Mutation Database (HGMD: prior to June 1st, 2018), and was therefore a candidate for classification through an automated scoring system. Utilizing variant allele frequency, disease prevalence and penetrance estimates, and inheritance mode, an automated score was calculated to assess if this variant is too frequent to cause the disease. Based on the score and internal cut-off values, a variant classified as benign is not then subjected to further curation. The score for this variant resulted in a classification of benign for this disease.

Breakthrough Genomics
Classification: Benign. Review status: criteria provided, single submitter. Criteria: ACMG Guidelines, 2015. Collection method: not provided. Allele origin: germline. Inheritance: Autosomal recessive inheritance. Affected: yes.